The following continues an entry in ClinVar:

NM_000059.4(BRCA2):c.632-3C>G

Gene: BRCA2. ClinVar aggregate classification (germline): Likely pathogenic. Likely pathogenic (1).

Submissions 7 to 12 of 12:

Women's Health and Genetics/Laboratory Corporation of America, LabCorp
Classification: Likely pathogenic for Hereditary breast ovarian cancer syndrome. Last evaluated: 2025-02-17. Review status: criteria provided, single submitter. Criteria: LabCorp Variant Classification Summary - May 2015. Collection method: clinical testing. Allele origin: germline. Not counted in ClinVar's aggregate classification.
Comment: Variant summary: BRCA2 c.632-3C>G, also reported as IVS07-3C>G(c.630dupAG) (intron7), alters a non-conserved nucleotide located close to a canonical splice site and therefore could affect mRNA splicing, leading to a significantly altered protein sequence. Several computational tools predict a significant impact on normal splicing: Three predict the variant creates a 3' acceptor site. Three predict the variant abolishes a 3' acceptor site. One predicts the variant weakens a 3' acceptor site. At least one publication reports experimental evidence that this variant affects mRNA splicing. In vitro minigene assays determined there are 2 predicted impacts on RNA splicing; the first inserts 2 nucleotides immediately upstream of exon 8 (r.631_632ins632-1_632-2), resulting in p.Val211Glufs*18, and the second results in the skipping of exons 6_7 and insertion of 2 nucleotides upstream of exon 8 (r.478_631delins632-1_632-2), resulting in p.Gly173Lysfs*2. The aberrant transcripts comprised approximately 75% and 25% of the minigene transcript pool, respectively (example, Fraile-Bethencourt_2019) and no remaining wild type transcript was reported. In vivo RNA analysis (internal, Labcorp Genetics (formerly Invitae)) corroborated the r.631_632ins632-2_632-1 impact, which is predicted to result in nonsense mediated decay. The variant allele was found at a frequency of 4.1e-06 in 243142 control chromosomes. c.632-3C>G has been reported in the homozygous or presumed compound heterozygous state in the literature in at least 2 individuals affected with autosomal recessive Fanconi anemia (example, Malric_2015, Radulovic_2023). Further, it has also been reported in the heterozygous state in individual(s) with clinical features of Hereditary Breast and Ovarian Cancer (example, George_2021, Vasconcelos_2021). These data indicate that the variant may be associated with disease. The following publications have been ascertained in the context of this evaluation (PMID: 30883759, 33646313, 22505045, 25381700, 36721989, 33466630, 32123317). ClinVar contains an entry for this variant (Variation ID: 219896). Based on the evidence outlined above, the variant was classified as likely pathogenic.

Color Diagnostics, LLC DBA Color Health
Classification: Likely pathogenic for Hereditary cancer-predisposing syndrome. Last evaluated: 2024-02-23. Review status: criteria provided, single submitter. Criteria: ACMG Guidelines, 2015. Collection method: clinical testing. Allele origin: germline. Not counted in ClinVar's aggregate classification.
Comment: This variant causes a C to G nucleotide substitution at the -3 position of intron 7 of the BRCA2 gene. Splice site prediction tools suggest that this variant may have a significant impact on RNA splicing. RNA studies have shown that this variant results in out-of-frame splicing, creating premature translation stop signal in the RNA transcripts (PMID: 22505045, 30883759, 32123317). The aberrant transcripts are expected to result in an absent or non-functional protein product. An RNA study has reported the potential attenuation of this splicing defect by a naturally occurring alternative acceptor site usage (ClinVar SCV000278028.7). This variant has been detected in individuals affected with breast and/or ovarian cancer (PMID: 22505045, Color internal data), and in two individuals affected with biallelic Fanconi anemia (PMID: 25381700; ClinVar SCV004101433.1). A multifactorial analysis has reported a cumulative likelihood ratio of pathogenicity of 18.7 based on family history and other factors (PMID: 31131967; SCV004101433.1). This variant has been identified in 1/243142 chromosomes in the general population by the Genome Aggregation Database (gnomAD). Loss of BRCA2 function is a known mechanism of disease. Based on the available evidence, this variant is classified as Likely Pathogenic. Due to the potential for attenuated splicing defect, this variant may display reduced penetrance relative to typical pathogenic BRCA2 variants.

Baylor Genetics
Classification: Likely pathogenic for Familial cancer of breast. Last evaluated: 2022-10-10. Review status: criteria provided, single submitter. Criteria: ACMG Guidelines, 2015. Collection method: clinical testing. Allele origin: unknown. Not counted in ClinVar's aggregate classification.

CeGaT Center for Human Genetics Tuebingen
Classification: Pathogenic. Last evaluated: 2022-07-01. Review status: criteria provided, single submitter. Criteria: CeGaT Center For Human Genetics Tuebingen Variant Classification Criteria Version 2. Collection method: clinical testing. Allele origin: germline. Affected: yes. Observed: 1 variant allele. Not counted in ClinVar's aggregate classification.
Comment: BRCA2: PVS1, PM2, PS3:Supporting

Sema4
Classification: Likely pathogenic for Hereditary cancer-predisposing syndrome. Last evaluated: 2021-09-11. Review status: criteria provided, single submitter. Criteria: Sema4 Curation Guidelines. Collection method: curation. Allele origin: germline. Not counted in ClinVar's aggregate classification.
Comment: Functional studies have shown that this variant creates an alternative splice acceptor site two nucleotides upstream of the cannonical splice site, which results in a frameshift and subsequent introduction of a premature termination codon (PMID: 22505045, 30883759, 32123317). Loss of function variants in BRCA1 or BRCA2 are known to be pathogenic (PMID: 29446198). A Bayesian multifactorial likelihood analysis, which considers bioinformatic, clinical, and statistical information, predicts a high probability of pathogenicity for this variant (PMID: 31131967). This variant was observed in 1/14972 chromosomes in the African/African American population according to the Genome Aggregation Database (PMID: 32461654). This variant has been reported in ClinVar (Variation ID: 219896). Based on the current evidence available, this variant is interpreted as likely pathogenic.

Sharing Clinical Reports Project (SCRP)
Classification: Likely pathogenic for Breast-ovarian cancer, familial 2. Last evaluated: 2011-12-06. Review status: no assertion criteria provided. Collection method: clinical testing. Allele origin: germline. Not counted in ClinVar's aggregate classification.

Literature cited by the submitters: PubMed 22505045 (cited by 6 submitters); PubMed 33466630 (cited by 4 submitters); PubMed 33646313 (cited by 3 submitters); PubMed 31131967 (cited by 4 submitters); PubMed 17576681 (cited by Labcorp Genetics (formerly Invitae), Labcorp); PubMed 9536098 (cited by Labcorp Genetics (formerly Invitae), Labcorp); PubMed 30883759 (cited by 6 submitters); PubMed 32123317 (cited by 6 submitters); PubMed 39438962 (cited by Quest Diagnostics Nichols Institute San Juan Capistrano); PubMed 36721989 (cited by 3 submitters); PubMed 25381700 (cited by 3 submitters); PubMed 32398771 (cited by Ambry Genetics); PubMed 29446198 (cited by Sema4).